The following continues an entry in ClinVar:

NM_004004.6(GJB2):c.235del (p.Leu79fs)

Gene: GJB2. ClinVar aggregate classification (germline): Pathogenic. Pathogenic (1).

Submissions 22 to 36 of 47:

Victorian Clinical Genetics Services, Murdoch Childrens Research Institute
Classification: Pathogenic for Autosomal recessive nonsyndromic hearing loss 1A. Last evaluated: 2022-02-02. Review status: criteria provided, single submitter. Criteria: ACMG Guidelines, 2015. Collection method: clinical testing. Allele origin: germline. Inheritance: Autosomal recessive inheritance. Affected: yes. Not counted in ClinVar's aggregate classification.
Comment: Based on the classification scheme VCGS_Germline_v1.3.3, this variant is classified as Pathogenic. Following criteria are met: 0102 - Loss of function is a known mechanism of disease in this gene and is associated with both deafness and skin conditions (OMIM). Dominant negative is also a suggested mechanism (PMID: 28428247). (I) 0108 - This gene is associated with both recessive and dominant disease. The autosomal dominant diseases are commonly associated with pathogenic missense variants. The autosomal recessive disease is associated with bi-allelic loss-of-function variants and includes missense and protein truncating variants (NIH Genetics Home Reference, PMID: 12792423). (I) 0112 - The condition associated with this gene has incomplete penetrance (PMID:31160754). (I) 0115 - Variants in this gene are known to have variable expressivity. Severity can range from mild to profound with intrafamilial variability also commonly seen. Commonly, truncating variants are associated to a more severe hearing loss (GeneReviews). (I) 0204 - Variant is predicted to result in a truncated protein (premature termination codon is NOT located at least 54 nucleotides upstream of the final exon-exon junction) with at least 1/3 of the protein sequence affected. (SP) 0251 - This variant is heterozygous. (I) 0304 - Variant is present in gnomAD (v2) <0.01 for a recessive condition (134 heterozygotes, 0 homozygotes). (SP) 0701 – Other truncating variants comparable to the one identified in this case have very strong previous evidence for pathogenicity (ClinVar, DECIPHER). (SP) 0801 - This variant has strong previous evidence of pathogenicity in unrelated individuals. This variant has been classified as pathogenic by the ClinGen Hearing Loss Variant Curation Expert Panel and has multiple pathogenic entries in ClinVar. (SP) 1208 - Inheritance information for this variant is not currently available in this individual. (I) Legend: (SP) - Supporting pathogenic, (I) - Information, (SB) - Supporting benign

Myriad Genetics, Inc.
Classification: Pathogenic for Autosomal recessive nonsyndromic hearing loss 1A. Last evaluated: 2019-12-20. Review status: criteria provided, single submitter. Criteria: Myriad Women's Health Autosomal Recessive and X-Linked Classification Criteria (2019). Collection method: clinical testing. Allele origin: unknown. Not counted in ClinVar's aggregate classification.
Comment: NM_004004.5(GJB2):c.235delC(aka L79Cfs*3) is classified as pathogenic in the context of GJB2-related DFNB1 nonsyndromic hearing loss and deafness. Sources cited for classification include the following: 12505163, 20095872, 20497192, 16380907, and 15937416. Classification of NM_004004.5(GJB2):c.235delC(aka L79Cfs*3) is based on the following criteria: The variant causes a premature termination codon that is not expected to be targeted by nonsense-mediated mRNA decay; however, literature evidence strongly supports pathogenicity. Please note: this variant was assessed in the context of healthy population screening.

GeneDx
Classification: Pathogenic. Last evaluated: 2019-11-18. Review status: criteria provided, single submitter. Criteria: GeneDx Variant Classification Process June 2021. Collection method: clinical testing. Allele origin: germline. Affected: yes. Not counted in ClinVar's aggregate classification.
Comment: One of the most common variants reported in the GJB2 gene, with a carrier frequency of 1-2% in the Japanese and Chinese populations (Fuse et al., 1999; Dzhemileva et al., 2010; Yao et al., 2012); Frameshift variant predicted to result in protein truncation, as the last 148 amino acids are lost and replaced with 2 incorrect amino acids, and other loss-of-function variants have been reported downstream in the Human Gene Mutation Database (Stenson et al., 2014); Published functional studies demonstrate a damaging effect; cells expressing c.235delC fail to reach their destination in the cell membrane and have reduced gap junction activity (Choung et al., 2002; Zhang et al., 2010); Classified as pathogenic by the ClinGen Hearing Loss Expert Panel (SCV000840502.3; Oza et al., 2018); This variant is associated with the following publications: (PMID: 12505163, 26336802, 25266519, 26119842, 30275481, 20095872, 25262649, 22975760, 12352684, 23469187, 24945352, 22088281, 15479191, 22747691, 20739944, 17666888, 10501520, 19043807, 26061264, 26763877, 27308839, 27045574, 28012523, 16952406, 12111646, 12169891, 30282152, 29447821, 30589569, 29086887, 29771057, 30693673, 31195736, 30816908, 30036422, 30146550, 31370293, 30733538, 31347505, 31162818, 30344259, 31564438, 29625052, 31914302, 26689913, 31541171, 31827275, 31980526, 31160754, 30896630, 32747562, 22875492, 31589614, 29871260, 32973888, 32708339)

CENTOGENE GmbH and LLC - Guiding Precision Medicine
Classification: Pathogenic for Autosomal recessive nonsyndromic hearing loss 1A. Last evaluated: 2019-09-20. Review status: criteria provided, single submitter. Criteria: ACMG Guidelines, 2015. Collection method: clinical testing. Allele origin: germline. Affected: no. Not counted in ClinVar's aggregate classification.

Baylor Genetics
Classification: Pathogenic for Autosomal recessive nonsyndromic hearing loss 1A. Last evaluated: 2019-03-20. Review status: criteria provided, single submitter. Criteria: ACMG Guidelines, 2015. Collection method: clinical testing. Allele origin: unknown. Affected: yes. Not counted in ClinVar's aggregate classification.
Comment: This variant was determined to be pathogenic according to ACMG Guidelines, 2015 [PMID:25741868].

Eurofins Ntd Llc (ga)
Classification: Pathogenic. Last evaluated: 2017-12-21. Review status: criteria provided, single submitter. Criteria: EGL Classification Definitions 2015. Collection method: clinical testing. Allele origin: germline. Observed: 5 variant alleles, 5 heterozygotes. Not counted in ClinVar's aggregate classification.

Genomic Diagnostic Laboratory, Division of Genomic Diagnostics, Children's Hospital of Philadelphia
Classification: Pathogenic for Deafness, autosomal recessive 1A. Last evaluated: 2017-05-09. Review status: criteria provided, single submitter. Criteria: DGD Variant Analysis Guidelines. Collection method: clinical testing. Allele origin: germline. Affected: yes and no. Observed: 8 variant alleles. Not counted in ClinVar's aggregate classification.

Women's Health and Genetics/Laboratory Corporation of America, LabCorp
Classification: Pathogenic for Autosomal recessive nonsyndromic hearing loss 1A. Last evaluated: 2016-05-10. Review status: criteria provided, single submitter. Criteria: LabCorp Variant Classification Summary - May 2015. Collection method: clinical testing. Allele origin: germline. Not counted in ClinVar's aggregate classification.
Comment: Variant summary: The GJB2 c.235delC (p.Leu79Cysfs) variant results in a premature termination codon, predicted to cause a truncated or absent GJB2 protein due to nonsense mediated decay, which are commonly known mechanisms for disease. Mutation taster predicts a damaging outcome for this variant. It was found in 44/121376 control chromosomes at a frequency of 0.0003625, which does not exceed the estimated maximal expected allele frequency of a pathogenic GJB2 variant (0.025). The variant was reported in several autosomal recessive non-syndromic hearing loss patients either in homozygosity or in compound heterozygosity with other pathogenic GJB2 variants indicating pathogenicity. Additionally, a functional study demonstrated the variant to result in a truncated form of GJB2 which is not capable to facilitate junctional conductance, further supporting a deleterious impact. Moreover, multiple clinical diagnostic laboratories classified this variant as Pathogenic. Taken together, this variant is classified as pathogenic.

Knight Diagnostic Laboratories, Oregon Health and Sciences University
Classification: Pathogenic for Deafness, autosomal recessive 1A. Last evaluated: 2016-04-19. Review status: criteria provided, single submitter. Criteria: ACMG Guidelines, 2015. Collection method: clinical testing. Allele origin: germline. Observed: 2 variant alleles. Not counted in ClinVar's aggregate classification.

Soonchunhyang University Bucheon Hospital, Soonchunhyang University Medical Center
Classification: Pathogenic for Autosomal dominant nonsyndromic hearing loss 3A; Autosomal recessive nonsyndromic hearing loss 1A. Last evaluated: 2016-03-18. Review status: criteria provided, single submitter. Criteria: ACMG Guidelines, 2015. Collection method: reference population. Allele origin: germline. Observed: 1 variant allele. Not counted in ClinVar's aggregate classification.

Genetic Services Laboratory, University of Chicago
Classification: Pathogenic for Hearing impairment. Last evaluated: 2013-02-08. Review status: criteria provided, single submitter. Criteria: ACMG Guidelines, 2007. Collection method: clinical testing. Allele origin: germline. Inheritance: Autosomal recessive inheritance. Affected: yes. Not counted in ClinVar's aggregate classification.

Laboratory for Molecular Medicine, Mass General Brigham Personalized Medicine
Classification: Pathogenic for Rare genetic deafness. Last evaluated: 2012-02-10. Review status: criteria provided, single submitter. Criteria: LMM Criteria. Collection method: clinical testing. Allele origin: germline. Inheritance: Autosomal recessive inheritance. Observed: 14 variant alleles. Not counted in ClinVar's aggregate classification.
Comment: The c.235delC variant in GJB2 is a well-studied pathogenic variant (Abe 2000, Pa rk 2000, Choung 2002, Liu 2002, Ohtsuka 2003, Yao 2012). This variant is predict ed to cause a frameshift, which alters the protein's amino acid sequence beginni ng at codon 79 and leads to a premature termination codon 3 amino acids downstre am. This alteration is then predicted to lead to a truncated or absent protein. In summary, this variant meets criteria to be classified as pathogenic for heari ng loss in an autosomal recessive manner. ACMG/AMP Criteria applied: PVS1, PM3_ VeryStrong.

Baylor Genetics
Classification: Pathogenic for Autosomal recessive nonsyndromic hearing loss 1A; Autosomal recessive nonsyndromic hearing loss 1B. Review status: criteria provided, single submitter. Criteria: ACMG Guidelines, 2015. Collection method: clinical testing. Allele origin: germline. Not counted in ClinVar's aggregate classification.

Clinical Genetics Service, Universitary Hospital 12 de Octubre
Classification: Pathogenic for Autosomal recessive nonsyndromic hearing loss 1A. Review status: criteria provided, single submitter. Criteria: ACMG Guidelines, 2015. Collection method: clinical testing. Allele origin: germline. Affected: yes. Not counted in ClinVar's aggregate classification.

Henan Neurodevelopment Engineering Research Center for Children, Children's Hospital Affiliated to Zhengzhou University
Classification: Pathogenic for Autosomal recessive nonsyndromic hearing loss 1A. Review status: criteria provided, single submitter. Criteria: ACMG Guidelines, 2015. Collection method: clinical testing. Allele origin: maternal. Affected: yes. Observed: 1 heterozygote. Not counted in ClinVar's aggregate classification.